The following is an entry in ClinVar:

NM_139027.6(ADAMTS13):c.539+6C>T

Gene: ADAMTS13 (ADAM metallopeptidase with thrombospondin type 1 motif 13; plus strand). Cytogenetic location: 9q34.2.
Variant type: single nucleotide variant.
Coding change: c.539+6C>T on transcript NM_139027.6 (MANE Select); 6 bases into the intron after coding-DNA position 539, C replaced by T.
Molecular consequence: intron variant.
Genome position (GRCh38, 1-based): chr9:133,426,068, C>T. VCF-style: chr9-133426068-C-T. GRCh37 (hg19) VCF-style: chr9-136291188-C-T.
Other names: c.539+6C>T (NM_139025.5, NM_139026.6).
Identifiers: ClinVar variation 912637 (VCV000912637.7), dbSNP rs782661001, ClinGen allele CA200921997.

ClinVar aggregate classification (germline): Conflicting classifications of pathogenicity. Review status: criteria provided, conflicting classifications (1 of 4 stars). 4 submissions from 4 submitters: Uncertain significance (3); Likely benign (1). Last evaluated 2025-02-16.

Conditions:
Upshaw-Schulman syndrome (TTP). Also called: THROMBOTIC THROMBOCYTOPENIC PURPURA, HEREDITARY; Congenital thrombotic thrombocytopenic purpura. Identifiers: Orphanet 93583, MedGen C1268935, MONDO:0010122, OMIM 274150.

Allele frequency attached by ClinVar (database versions not stated): ExAC 0.00003; gnomAD exomes 0.00004; TOPMed 0.00007.

Submissions (4):

Laboratory of Genetics, Children's Clinical University Hospital Latvia
Classification: Likely benign. Last evaluated: 2025-02-16. Review status: criteria provided, single submitter. Criteria: ACMG Guidelines, 2015. Collection method: clinical testing. Allele origin: germline. Affected: yes.

Labcorp Genetics (formerly Invitae), Labcorp
Classification: Uncertain significance. Last evaluated: 2022-07-11. Review status: criteria provided, single submitter. Criteria: Invitae Variant Classification Sherloc (09022015). Collection method: clinical testing. Allele origin: germline.
Comment: This sequence change falls in intron 5 of the ADAMTS13 gene. It does not directly change the encoded amino acid sequence of the ADAMTS13 protein. It affects a nucleotide within the consensus splice site. This variant is present in population databases (rs782661001, gnomAD 0.008%). This variant has not been reported in the literature in individuals affected with ADAMTS13-related conditions. ClinVar contains an entry for this variant (Variation ID: 912637). Variants that disrupt the consensus splice site are a relatively common cause of aberrant splicing (PMID: 17576681, 9536098). Algorithms developed to predict the effect of sequence changes on RNA splicing suggest that this variant is not likely to affect RNA splicing. In summary, the available evidence is currently insufficient to determine the role of this variant in disease. Therefore, it has been classified as a Variant of Uncertain Significance.

Fulgent Genetics
Classification: Uncertain significance for Upshaw-Schulman syndrome. Last evaluated: 2021-12-07. Review status: criteria provided, single submitter. Criteria: ACMG Guidelines, 2015. Collection method: clinical testing. Allele origin: unknown.

Illumina Laboratory Services, Illumina
Classification: Uncertain significance for Upshaw-Schulman syndrome. Last evaluated: 2018-01-12. Review status: criteria provided, single submitter. Criteria: ICSL Variant Classification Criteria 13 December 2019. Collection method: clinical testing. Allele origin: germline.

Literature cited by the submitters: PubMed 17576681 (cited by Labcorp Genetics (formerly Invitae), Labcorp); PubMed 9536098 (cited by Labcorp Genetics (formerly Invitae), Labcorp).